The following is an entry in ClinVar:

NM_004977.3(KCNC3):c.843G>T (p.Glu281Asp)

Genes: KCNC3 (potassium voltage-gated channel subfamily C member 3; minus strand), LOC130064972 (ATAC-STARR-seq lymphoblastoid silent region 10954; plus strand). Cytogenetic location: 19q13.33.
Variant type: single nucleotide variant.
Coding change: c.843G>T on transcript NM_004977.3 (MANE Select); coding-DNA position 843, G replaced by T.
Protein change: p.Glu281Asp; replaces glutamic acid 281 with aspartic acid.
Molecular consequence: missense variant.
Genome position (GRCh38, 1-based): chr19:50,328,240, C>A on the plus strand (G>T on the coding strand, the complement: KCNC3 is on the minus strand). VCF-style: chr19-50328240-C-A. GRCh37 (hg19) VCF-style: chr19-50831497-C-A.
Other names: c.615G>T, p.Glu205Asp (NM_001372305.1); short protein forms E205D, E281D.
Identifiers: ClinVar variation 3777558 (VCV003777558.1).

ClinVar aggregate classification (germline): Uncertain significance (1 of 4 stars; one submission).

Submission:

GeneDx
Classification: Uncertain significance. Last evaluated: 2024-10-11. Review status: criteria provided, single submitter. Criteria: GeneDx Variant Classification Process June 2021. Collection method: clinical testing. Allele origin: germline. Affected: yes.
Comment: Not observed at significant frequency in large population cohorts (gnomAD); In silico analysis indicates that this missense variant does not alter protein structure/function; Has not been previously published as pathogenic or benign to our knowledge